The following is an entry in ClinVar:

ClinVar aggregate classification (germline): Uncertain significance. Review status: criteria provided, multiple submitters, no conflicts (2 of 4 stars). 2 submissions from 2 submitters: Uncertain significance (2). Last evaluated 2025-05-27.

Conditions:
MEGF10-related myopathy (CMYO10A). Also called: Congenital myopathy 10A, severe variant. Identifiers: Orphanet 439212, MedGen C3280679, MONDO:0013731, OMIM 614399.

Allele frequency attached by ClinVar (database versions not stated): gnomAD 0.00021 and 0.00025; TOPMed 0.00025.
gnomAD v4.1: 33 of 151,990 alleles (0.022%); highest among the groups gnomAD compares: Non-Finnish European, 0.041%; no homozygotes.

Submissions (2):

Greenwood Genetic Center Diagnostic Laboratories, Greenwood Genetic Center
Classification: Uncertain significance. Last evaluated: 2025-05-27. Review status: criteria provided, single submitter. Criteria: ACMG Guidelines, 2015. Collection method: clinical testing. Allele origin: germline. Affected: yes.
Comment: PM2

Illumina Laboratory Services, Illumina
Classification: Uncertain significance for MEGF10-related myopathy. Last evaluated: 2018-01-13. Review status: criteria provided, single submitter. Criteria: ICSL Variant Classification Criteria 13 December 2019. Collection method: clinical testing. Allele origin: germline.

NM_001256545.2(MEGF10):c.*1170G>A

Gene: MEGF10 (multiple EGF like domains 10; plus strand). Cytogenetic location: 5q23.2.
Variant type: single nucleotide variant.
Coding change: c.*1170G>A on transcript NM_001256545.2 (MANE Select); 1170 bases downstream of the stop codon, G replaced by A.
Molecular consequence: 3 prime UTR variant.
Genome position (GRCh38, 1-based): chr5:127,458,488, G>A. VCF-style: chr5-127458488-G-A. GRCh37 (hg19) VCF-style: chr5-126794180-G-A.
Other names: c.*1170G>A (NM_032446.3).
Identifiers: ClinVar variation 350686 (VCV000350686.6), dbSNP rs533979647, ClinGen allele CA10620053.